The following is an entry in ClinVar:

NM_000455.5(STK11):c.862+3G>T

Gene: STK11 (serine/threonine kinase 11; plus strand). Cytogenetic location: 19p13.3.
Variant type: single nucleotide variant.
Coding change: c.862+3G>T on transcript NM_000455.5 (MANE Select); 3 bases into the intron after coding-DNA position 862, G replaced by T.
Molecular consequence: intron variant.
Genome position (GRCh38, 1-based): chr19:1,221,343, G>T. VCF-style: chr19-1221343-G-T. GRCh37 (hg19) VCF-style: chr19-1221342-G-T.
Other names: c.862+3G>T (NM_001407255.1).
Identifiers: ClinVar variation 4176614 (VCV004176614.1).
Genomic context (GRCh38, chr19:1,221,343, plus strand): 5'-AAGGGGAGCTACGCCATCCCGGGCGACTGTGGCCCCCCGCTCTCTGACCTGCTGAAAGGT[G>T]GGAGCCTCATCCCTCTGCCCGCAGCCCCAGGGAGGCGGGGCTTTTGTGCAGAAATGTAGG-3'

ClinVar aggregate classification (germline): Uncertain significance (1 of 4 stars; one submission).

Conditions:
Hereditary cancer-predisposing syndrome. Also called: Neoplastic Syndromes, Hereditary; Tumor predisposition; Hereditary Cancer Syndrome; Hereditary neoplastic syndrome. Identifiers: Orphanet 140162, MedGen C0027672, MeSH D009386, MONDO:0015356.

Submission:

Ambry Genetics
Classification: Uncertain significance for Hereditary cancer-predisposing syndrome. Last evaluated: 2025-07-29. Review status: criteria provided, single submitter. Criteria: Ambry Variant Classification Scheme 2023. Collection method: clinical testing. Allele origin: germline.
Comment: The c.862+3G>T intronic variant results from a G to T substitution 3 nucleotides after coding exon 6 in the STK11 gene. This nucleotide position is not well conserved in available vertebrate species. In silico splice site analysis predicts that this alteration will not have any significant effect on splicing. Based on the available evidence, the clinical significance of this variant remains unclear.